The following is an entry in ClinVar:

NM_001378120.1(MBD5):c.4398dup (p.Val1467fs)

Gene: MBD5 (methyl-CpG binding domain protein 5; plus strand). Cytogenetic location: 2q23.1.
Variant type: Duplication.
Coding change: c.4398dup on transcript NM_001378120.1 (MANE Select); coding-DNA position 4398, one base duplicated (T; older notation c.4398dupT).
Protein change: p.Val1467fs; shifts the reading frame from valine 1467.
Molecular consequence: frameshift variant.
Genome position (GRCh38, 1-based): chr2:148,490,030, T duplicated. VCF-style (leftmost placement, unchanged base first): chr2-148490029-A-AT. GRCh37 (hg19) VCF-style: chr2-149247598-A-AT.
Other names: c.3699dupT (NM_018328.4); c.3699dup, p.Val1234fs (NM_018328.5); short protein forms V1234fs, V1467fs.
Identifiers: ClinVar variation 504260 (VCV000504260.2), dbSNP rs1553520585, ClinGen allele CA658795859.

ClinVar aggregate classification (germline): Pathogenic (1 of 4 stars; one submission).

Submission:

GeneDx
Classification: Pathogenic. Last evaluated: 2018-02-08. Review status: criteria provided, single submitter. Criteria: GeneDx Variant Classification (06012015). Collection method: clinical testing. Allele origin: germline. Affected: yes.
Comment: The c.3699dupT variant in the MBD5 gene has not been reported previously as a pathogenic variant nor as a benign variant, to our knowledge. The c.3699dupT variant causes a frameshift starting with codon Valine 1234, changes this amino acid to a Cysteine residue, and creates a premature Stop codon at position 25 of the new reading frame, denoted p.Val1234CysfsX25. This variant is predicted to cause loss of normal protein function either through protein truncation or nonsense-mediated mRNA decay. The c.3699dupT variant is not observed in large population cohorts (Lek et al., 2016). We interpret c.3699dupT as a pathogenic variant.